The following is an entry in ClinVar:

NM_001127898.4(CLCN5):c.636G>A (p.Met212Ile)

Gene: CLCN5 (Cl-/H+ antiporter 5; plus strand). Cytogenetic location: Xp11.23.
Variant type: single nucleotide variant.
Coding change: c.636G>A on transcript NM_001127898.4 (MANE Select); coding-DNA position 636, G replaced by A.
Protein change: p.Met212Ile; replaces methionine 212 with isoleucine.
Molecular consequence: missense variant.
Genome position (GRCh38, 1-based): chrX:50,080,626, G>A. VCF-style: chrX-50080626-G-A. GRCh37 (hg19) VCF-style: chrX-49845283-G-A.
Other names: c.426G>A, p.Met142Ile (NM_000084.5); c.636G>A, p.Met212Ile (NM_001127899.4); c.486G>A, p.Met162Ile (NM_001282163.2); short protein forms M212I, M142I, M162I.
Identifiers: ClinVar variation 368474 (VCV000368474.19), dbSNP rs34800648, ClinGen allele CA10413763.
Genomic context (GRCh38, chrX:50,080,626, plus strand): 5'-AACAAGCTTCTTTTTCCCCCTGTTCCAGGGAGCCTTTGCCTACATAGTCAATTATTTCAT[G>A]TACGTCCTCTGGGCTCTCCTATTTGCCTTCCTTGCCGTATCTCTTGTCAAGGTGTTTGCG-3'
Protein context (NP_001121370.1, residues 202-222): GAFAYIVNYF[Met212Ile]YVLWALLFAF

ClinVar aggregate classification (germline): Benign/Likely benign. Review status: criteria provided, multiple submitters, no conflicts (2 of 4 stars). 6 submissions from 6 submitters: Benign (4); Likely benign (2). Last evaluated 2026-01-20.

Conditions:
Dent disease type 1 (DENT1). Also called: NEPHROLITHIASIS 2; NEPHROLITHIASIS, HYPERCALCIURIC, X-LINKED. Identifiers: Orphanet 1652, Orphanet 93622, MedGen C1848336, MONDO:0010225, OMIM 300009.

Allele frequency attached by ClinVar (database versions not stated): ExAC 0.00297; gnomAD 0.00736 and 0.00771; TOPMed 0.00838; 1000 Genomes Project 0.00901; 1000 Genomes Project 30x 0.00937; ESP Exome Variant Server 0.00956.
gnomAD v4.1: 1,541 of 1,204,579 alleles (0.13%); highest among the groups gnomAD compares: African/African-American, 2.5%; 7 homozygotes.

Submissions (6):

Labcorp Genetics (formerly Invitae), Labcorp
Classification: Benign. Last evaluated: 2026-01-20. Review status: criteria provided, single submitter. Criteria: Invitae Variant Classification Sherloc (09022015). Collection method: clinical testing. Allele origin: germline.

Blueprint Genetics
Classification: Likely benign. Last evaluated: 2024-10-02. Review status: criteria provided, single submitter. Criteria: ACMG Guidelines, 2015. Collection method: clinical testing. Allele origin: germline.

Mayo Clinic Laboratories, Mayo Clinic
Classification: Benign. Last evaluated: 2024-06-03. Review status: criteria provided, single submitter. Criteria: ACMG Guidelines, 2015. Collection method: clinical testing. Allele origin: germline. Observed: 3 variant alleles.
Comment: BS1, BS2

GeneDx
Classification: Likely benign. Last evaluated: 2022-07-19. Review status: criteria provided, single submitter. Criteria: GeneDx Variant Classification Process June 2021. Collection method: clinical testing. Allele origin: germline. Affected: yes.
Comment: See Variant Classification Assertion Criteria.

Illumina Laboratory Services, Illumina
Classification: Benign for Dent disease type 1. Last evaluated: 2018-01-13. Review status: criteria provided, single submitter. Criteria: ICSL Variant Classification Criteria 13 December 2019. Collection method: clinical testing. Allele origin: germline.
Comment: This variant was observed in the ICSL laboratory as part of a predisposition screen in an ostensibly healthy population. It had not been previously curated by ICSL or reported in the Human Gene Mutation Database (HGMD: prior to June 1st, 2018), and was therefore a candidate for classification through an automated scoring system. Utilizing variant allele frequency, disease prevalence and penetrance estimates, and inheritance mode, an automated score was calculated to assess if this variant is too frequent to cause the disease. Based on the score and internal cut-off values, a variant classified as benign is not then subjected to further curation. The score for this variant resulted in a classification of benign for this disease.

Breakthrough Genomics
Classification: Benign. Review status: criteria provided, single submitter. Criteria: ACMG Guidelines, 2015. Collection method: not provided. Allele origin: germline. Inheritance: X-linked inheritance. Affected: yes.